The following is an entry in ClinVar:

NM_001848.3(COL6A1):c.46T>C (p.Trp16Arg)

Gene: COL6A1 (collagen type VI alpha 1 chain; plus strand). Cytogenetic location: 21q22.3.
Variant type: single nucleotide variant.
Coding change: c.46T>C on transcript NM_001848.3 (MANE Select); coding-DNA position 46, T replaced by C.
Protein change: p.Trp16Arg; replaces tryptophan 16 with arginine.
Molecular consequence: missense variant.
Genome position (GRCh38, 1-based): chr21:45,981,896, T>C. VCF-style: chr21-45981896-T-C. GRCh37 (hg19) VCF-style: chr21-47401810-T-C.
Other names: short protein forms W16R.
Identifiers: ClinVar variation 2784785 (VCV002784785.5), dbSNP rs760101861, ClinGen allele CA10069427.

ClinVar aggregate classification (germline): Conflicting classifications of pathogenicity. Review status: criteria provided, conflicting classifications (1 of 4 stars). 2 submissions from 2 submitters: Likely pathogenic (1); Uncertain significance (1). Last evaluated 2025-10-26.

Conditions:
Ullrich congenital muscular dystrophy 1A. Also called: Ullrich congenital muscular dystrophy 1; Intermediate COL6-RD. Identifiers: Orphanet 75840, MedGen C0410179, MONDO:0009681, OMIM 254090.
Bethlem myopathy 1A. Also called: Bethlem myopathy 1; MYOPATHY, BENIGN CONGENITAL, WITH CONTRACTURES; Bethlem Muscular Dystrophy. Identifiers: Orphanet 610, MedGen CN029274, MONDO:0024530, OMIM 158810.

Allele frequency attached by ClinVar (database versions not stated): gnomAD exomes below 0.00001; ExAC 0.00001.
gnomAD v4.1: 1 of 1,605,524 alleles (0.000062%); highest among the groups gnomAD compares: Non-Finnish European, 0.000085%; no homozygotes.

Submissions (2):

Victorian Clinical Genetics Services, Murdoch Childrens Research Institute
Classification: Likely pathogenic for Ullrich congenital muscular dystrophy 1A. Last evaluated: 2025-10-26. Review status: criteria provided, single submitter. Criteria: ACMG Guidelines, 2015. Collection method: clinical testing. Allele origin: germline. Affected: yes.
Comment: This variant is classified as Likely pathogenic. Evidence in support of pathogenic classification: Variant is present in gnomAD <0.01 (v2: 1 heterozygote(s), 0 homozygote(s)); This variant has moderate previous evidence of pathogenicity in unrelated individuals. This variant has been classified once as a VUS by a clinical laboratory in ClinVar, but more commonly reported in a homozygous state in at least six individuals from four families with neuromuscular phenotypes including myopathy, neuropathy and increased creatine kinase (personal communication); This variant has limited evidence for segregation with disease. This variant was homozygous in three affected siblings and heterozygous in an additional, unaffected sibling (personal communication). Additional information: Variant is predicted to result in a missense amino acid change from Trp to Arg; This variant is homozygous; This gene is associated with both recessive and dominant disease (OMIM); Alternative amino acid change(s) at the same position are present in gnomAD (highest allele count: v4: 8 heterozygote(s), 0 homozygote(s)); No published functional evidence has been identified for this variant; No comparable missense variants have previous evidence for pathogenicity; Variant is not located in an established domain, motif, hotspot or informative constraint region; Missense variant with inconclusive in silico prediction and uninformative conservation; Dominant negative and loss of function are known mechanisms of disease in this gene and are associated with Bethlem myopathy 1 (MIM#158810) and Ullrich congenital muscular dystrophy 1 (MIM#254090). Dominant negative is associated with pathogenic missense variants affecting the Gly-X-Y repeats within the triple helical domain while loss of function is reported for null and missense variants (DECIPHER, PMID: 20976770); Variants in this gene are known to have variable expressivity (PMID: 20301676).

Labcorp Genetics (formerly Invitae), Labcorp
Classification: Uncertain significance for Bethlem myopathy 1A. Last evaluated: 2025-07-31. Review status: criteria provided, single submitter. Criteria: Invitae Variant Classification Sherloc (09022015). Collection method: clinical testing. Allele origin: germline.
Comment: This sequence change replaces tryptophan, which is neutral and slightly polar, with arginine, which is basic and polar, at codon 16 of the COL6A1 protein (p.Trp16Arg). The frequency data for this variant in the population databases is considered unreliable, as metrics indicate poor data quality at this position in the gnomAD database. This variant has not been reported in the literature in individuals affected with COL6A1-related conditions. ClinVar contains an entry for this variant (Variation ID: 2784785). Invitae Evidence Modeling of protein sequence and biophysical properties (such as structural, functional, and spatial information, amino acid conservation, physicochemical variation, residue mobility, and thermodynamic stability) indicates that this missense variant is expected to disrupt COL6A1 protein function with a positive predictive value of 95%. In summary, the available evidence is currently insufficient to determine the role of this variant in disease. Therefore, it has been classified as a Variant of Uncertain Significance.

Literature cited by the submitters: PubMed 20976770 (cited by Victorian Clinical Genetics Services, Murdoch Childrens Research Institute); PubMed 20301676 (cited by Victorian Clinical Genetics Services, Murdoch Childrens Research Institute).